The following is an entry in ClinVar:

NM_130468.4(CHST14):c.88G>A (p.Ala30Thr)

Genes: CHST14 (carbohydrate sulfotransferase 14; plus strand), LOC130056851 (ATAC-STARR-seq lymphoblastoid silent region 6336; plus strand). Cytogenetic location: 15q15.1.
Variant type: single nucleotide variant.
Coding change: c.88G>A on transcript NM_130468.4 (MANE Select); coding-DNA position 88, G replaced by A.
Protein change: p.Ala30Thr; replaces alanine 30 with threonine.
Molecular consequence: missense variant.
Genome position (GRCh38, 1-based): chr15:40,471,301, G>A. VCF-style: chr15-40471301-G-A. GRCh37 (hg19) VCF-style: chr15-40763500-G-A.
Other names: short protein forms A30T.
Identifiers: ClinVar variation 2451988 (VCV002451988.2), dbSNP rs985415192, ClinGen allele CA268822090.
Genomic context (GRCh38, chr15:40,471,301, plus strand): 5'-GCGGCCCCAAATGGCGCCGAGCCCCTGGGCCGGGCGCTGAGGCGGGCCCCTCTGGGCAGG[G>A]CCCGGGCGGGGCTGGGTGGGCCGCCCCTGCTGCTGCCGTCCATGCTGATGTTTGCGGTGA-3'
Protein context (NP_569735.1, residues 20-40): RALRRAPLGR[Ala30Thr]RAGLGGPPLL

ClinVar aggregate classification (germline): Uncertain significance (1 of 4 stars; one submission).

Conditions:
Cardiovascular phenotype. Identifiers: MedGen CN230736.

Allele frequency attached by ClinVar (database versions not stated): gnomAD exomes below 0.00001; TOPMed 0.00001; gnomAD 0.00002.
gnomAD v4.1: 5 of 1,532,234 alleles (0.00033%); highest among the groups gnomAD compares: African/African-American, 0.0042%; no homozygotes.

Submission:

Ambry Genetics
Classification: Uncertain significance for Cardiovascular phenotype. Last evaluated: 2023-03-12. Review status: criteria provided, single submitter. Criteria: Ambry Variant Classification Scheme 2023. Collection method: clinical testing. Allele origin: germline.
Comment: The p.A30T variant (also known as c.88G>A), located in coding exon 1 of the CHST14 gene, results from a G to A substitution at nucleotide position 88. The alanine at codon 30 is replaced by threonine, an amino acid with similar properties. This amino acid position is conserved. In addition, this alteration is predicted to be tolerated by in silico analysis. Since supporting evidence is limited at this time, the clinical significance of this alteration remains unclear.